The following is an entry in ClinVar:

ClinVar aggregate classification (germline): Uncertain significance (1 of 4 stars; one submission).

Conditions:
Deficiency of adenosine deaminase 2. Also called: Polyarteritis nodosa, childhoood-onset; VASCULITIS, AUTOINFLAMMATION, IMMUNODEFICIENCY, AND HEMATOLOGIC DEFECTS SYNDROME; Adenosine Deaminase 2 Deficiency. Identifiers: Orphanet 404553, MedGen C3887654, MONDO:0014306, OMIM 615688, MONDO:0100317.

Allele frequency attached by ClinVar (database versions not stated): gnomAD exomes below 0.00001 and 0.00001; ExAC 0.00001.
gnomAD v4.1: 3 of 1,614,248 alleles (0.00019%); highest among the groups gnomAD compares: Non-Finnish European, 0.00025%; no homozygotes.

Submission:

Labcorp Genetics (formerly Invitae), Labcorp
Classification: Uncertain significance for Deficiency of adenosine deaminase 2. Last evaluated: 2021-08-13. Review status: criteria provided, single submitter. Criteria: Invitae Variant Classification Sherloc (09022015). Collection method: clinical testing. Allele origin: germline.
Comment: This sequence change replaces cysteine with tyrosine at codon 159 of the ADA2 protein (p.Cys159Tyr). The cysteine residue is highly conserved and there is a large physicochemical difference between cysteine and tyrosine. This variant is present in population databases (rs774636844, ExAC 0.001%). This missense change has been observed in individual(s) with clinical features associated with ADA2-related conditions (Invitae). In at least one individual the data is consistent with the variant being in trans (on the opposite chromosome) from a pathogenic variant. Algorithms developed to predict the effect of missense changes on protein structure and function (SIFT, PolyPhen-2, Align-GVGD) all suggest that this variant is likely to be disruptive. In summary, the available evidence is currently insufficient to determine the role of this variant in disease. Therefore, it has been classified as a Variant of Uncertain Significance.

NM_001282225.2(ADA2):c.476G>A (p.Cys159Tyr)

Gene: ADA2 (adenosine deaminase 2; minus strand). Cytogenetic location: 22q11.1.
Variant type: single nucleotide variant.
Coding change: c.476G>A on transcript NM_001282225.2 (MANE Select); coding-DNA position 476, G replaced by A.
Protein change: p.Cys159Tyr; replaces cysteine 159 with tyrosine.
Molecular consequence: missense variant.
Genome position (GRCh38, 1-based): chr22:17,207,137, C>T on the plus strand (G>A on the coding strand, the complement: ADA2 is on the minus strand). VCF-style: chr22-17207137-C-T. GRCh37 (hg19) VCF-style: chr22-17688027-C-T.
Other names: c.476G>A, p.Cys159Tyr (NM_001282226.2); c.350G>A, p.Cys117Tyr (NM_001282227.2, NM_001282228.2); c.116G>A, p.Cys39Tyr (NM_001282229.2); short protein forms C39Y, C159Y, C117Y.
Identifiers: ClinVar variation 1496714 (VCV001496714.5), dbSNP rs774636844, ClinGen allele CA10088224.
Genomic context (GRCh38, chr22:17,207,137, plus strand): 5'-TCAAACTCAGTGACGTTCTGCACCCGCTTCCGATAATCCTCCAGCAGAATCCACTTGGAA[C>T]ATTTTTCTGATGGACGGGGAGTTGGGTGAGCAAATCTGAACTGCATGATCCCCCTTGGGG-3'
Protein context (NP_001269154.1, residues 149-169): AHPTPRPSEK[Cys159Tyr]SKWILLEDYR